The following is an entry in ClinVar:

NM_000387.6(SLC25A20):c.170_173del (p.Asp57fs)

Gene: SLC25A20 (solute carrier family 25 member 20; minus strand). Cytogenetic location: 3p21.31.
Variant type: Deletion.
Coding change: c.170_173del on transcript NM_000387.6 (MANE Select); coding-DNA positions 170 to 173, 4 bases deleted (ACTG; older notation c.170_173delACTG).
Protein change: p.Asp57fs; shifts the reading frame from aspartic acid 57.
Molecular consequence: frameshift variant.
Genome position (GRCh38, 1-based): chr3:48,892,005-48,892,008, CAGT deleted on the plus strand (ACTG on the coding strand, the reverse complement: SLC25A20 is on the minus strand); deleting any 4 consecutive bases within chr3:48,892,005-48,892,010 gives the same sequence; the c. name uses the placement nearest the transcript's 3' end. VCF-style (leftmost placement, unchanged base first): chr3-48892004-ACAGT-A. GRCh37 (hg19) VCF-style: chr3-48929437-ACAGT-A.
Other names: short protein forms D57fs.
Identifiers: ClinVar variation 2751691 (VCV002751691.3), dbSNP rs2470610350, ClinGen allele CA2665662481.
Genomic context (GRCh38, chr3:48,892,004, plus strand): 5'-TCTGAGTAAGAGGAATGCCCAGCACCATATACCAACCTCTCTAAAAAGAGTCTTCCGGAA[ACAGT>A]CAAAGGTCCCAGAGTACATGGGAGGTTGTCCAGGCAAACTCGGTGGCTGTGTCTGCAGTC-3'

ClinVar aggregate classification (germline): Pathogenic (1 of 4 stars; one submission).

Conditions:
Carnitine acylcarnitine translocase deficiency (CACTD). Identifiers: Orphanet 159, MedGen C0342791, MONDO:0008918, OMIM 212138.

Submission:

Labcorp Genetics (formerly Invitae), Labcorp
Classification: Pathogenic for Carnitine acylcarnitine translocase deficiency. Last evaluated: 2023-08-10. Review status: criteria provided, single submitter. Criteria: Invitae Variant Classification Sherloc (09022015). Collection method: clinical testing. Allele origin: germline.
Comment: This sequence change creates a premature translational stop signal (p.Asp57Valfs*71) in the SLC25A20 gene. It is expected to result in an absent or disrupted protein product. Loss-of-function variants in SLC25A20 are known to be pathogenic (PMID: 25614308). This variant is not present in population databases (gnomAD no frequency). This variant has not been reported in the literature in individuals affected with SLC25A20-related conditions. For these reasons, this variant has been classified as Pathogenic.

Literature cited by the submitters: PubMed 25614308.